The following is an entry in ClinVar:

ClinVar aggregate classification (germline): Uncertain significance. Review status: criteria provided, multiple submitters, no conflicts (2 of 4 stars). 2 submissions from 2 submitters: Uncertain significance (2). Last evaluated 2025-05-09.

gnomAD v4.1: 2 of 1,614,192 alleles (0.00012%); no homozygotes.

Submissions (2):

Labcorp Genetics (formerly Invitae), Labcorp
Classification: Uncertain significance. Last evaluated: 2025-05-09. Review status: criteria provided, single submitter. Criteria: Invitae Variant Classification Sherloc (09022015). Collection method: clinical testing. Allele origin: germline.
Comment: This sequence change replaces threonine, which is neutral and polar, with serine, which is neutral and polar, at codon 872 of the FLNB protein (p.Thr872Ser). This variant is present in population databases (no rsID available, gnomAD no frequency). This variant has not been reported in the literature in individuals affected with FLNB-related conditions. ClinVar contains an entry for this variant (Variation ID: 1965829). Invitae Evidence Modeling of protein sequence and biophysical properties (such as structural, functional, and spatial information, amino acid conservation, physicochemical variation, residue mobility, and thermodynamic stability) indicates that this missense variant is not expected to disrupt FLNB protein function with a negative predictive value of 95%. In summary, the available evidence is currently insufficient to determine the role of this variant in disease. Therefore, it has been classified as a Variant of Uncertain Significance.

GeneDx
Classification: Uncertain significance. Last evaluated: 2025-05-02. Review status: criteria provided, single submitter. Criteria: GeneDx Variant Classification Process June 2021. Collection method: clinical testing. Allele origin: germline. Affected: yes.
Comment: In silico analysis suggests that this missense variant does not alter protein structure/function; Has not been previously published as pathogenic or benign to our knowledge

NM_001457.4(FLNB):c.2615C>G (p.Thr872Ser)

Gene: FLNB (filamin B; plus strand). Cytogenetic location: 3p14.3.
Variant type: single nucleotide variant.
Coding change: c.2615C>G on transcript NM_001457.4 (MANE Select); coding-DNA position 2615, C replaced by G.
Protein change: p.Thr872Ser; replaces threonine 872 with serine.
Molecular consequence: missense variant.
Genome position (GRCh38, 1-based): chr3:58,112,188, C>G. VCF-style: chr3-58112188-C-G. GRCh37 (hg19) VCF-style: chr3-58097915-C-G.
Other names: c.2615C>G (NM_001457.3); c.2615C>G, p.Thr872Ser (NM_001164317.2, NM_001164318.2, NM_001164319.2); short protein forms T872S.
Identifiers: ClinVar variation 1965829 (VCV001965829.6), dbSNP rs1349766774, ClinGen allele CA353345822.